The following is an entry in ClinVar:

NM_001754.5(RUNX1):c.806-3C>T

Gene: RUNX1 (RUNX family transcription factor 1; minus strand). Cytogenetic location: 21q22.12.
Variant type: single nucleotide variant.
Coding change: c.806-3C>T on transcript NM_001754.5 (MANE Select); 3 bases into the intron before coding-DNA position 806, C replaced by T.
Molecular consequence: intron variant.
Genome position (GRCh38, 1-based): chr21:34,799,465, G>A on the plus strand (C>T on the coding strand, the complement: RUNX1 is on the minus strand). VCF-style: chr21-34799465-G-A. GRCh37 (hg19) VCF-style: chr21-36171762-G-A.
Other names: c.725-3C>T (NM_001001890.3).
Identifiers: ClinVar variation 837668 (VCV000837668.10), dbSNP rs866812011, ClinGen allele CA320255675.

ClinVar aggregate classification (germline): Likely benign. Review status: reviewed by expert panel (3 of 4 stars). 3 submissions from 3 submitters: Likely benign (1). 2 of the submissions do not count toward it. Last evaluated 2025-01-15.

Conditions:
Inborn genetic diseases. Identifiers: MedGen C0950123, MeSH D030342.
Hereditary thrombocytopenia and hematologic cancer predisposition syndrome. Identifiers: Orphanet 71290, MedGen CN281654, MONDO:0011071.
Hereditary thrombocytopenia and hematological cancer predisposition syndrome associated with RUNX1. Also called: RUNX1 Familial Platelet Disorder with Associated Myeloid Malignancies; Familial Platelet Disorder with Propensity to Acute Myelogenous Leukemia; PLATELET DISORDER, ASPIRIN-LIKE; Familial thrombocytopenia with propensity to acute myelogenous leukemia. Identifiers: Orphanet 71290, MedGen C1832388, MeSH C563324, MONDO:0100083, OMIM 601399.

Allele frequency attached by ClinVar (database versions not stated): gnomAD exomes below 0.00001 and 0.00002.
gnomAD v4.1: 10 of 1,613,826 alleles (0.00062%); highest among the groups gnomAD compares: East Asian, 0.022%; no homozygotes.

Submissions (3):

ClinGen Myeloid Malignancy Variant Curation Expert Panel
Classification: Likely benign for Hereditary thrombocytopenia and hematologic cancer predisposition syndrome. Last evaluated: 2025-01-15. Review status: reviewed by expert panel. Criteria: ClinGen MyeloMalig ACMG Specifications v2. Collection method: curation. Allele origin: germline. Inheritance: Autosomal dominant inheritance.
Comment: NM_001754.5(RUNX1):c.806-3C>T is an intronic variant that has a SpliceAI score ≤ 0.20 (0.0) (BP4). Its minor allele frequency of 0.0002229 (0.02229%, 10/44872, 10 alleles) in the East Asian subpopulation of the gnomAD v4.1.0 cohort is between 0.00015 (0.015%) and 0.0015 (0.15%) (BS1). In summary, this variant meets criteria to be classified as likely benign. ACMG/AMP criteria applied, as specified by the Myeloid Malignancy Variant Curation Expert Panel for RUNX1: BS1, BP4

Ambry Genetics
Classification: Uncertain significance for Inborn genetic diseases. Last evaluated: 2026-03-18. Review status: criteria provided, single submitter. Criteria: Ambry Variant Classification Scheme 2023. Collection method: clinical testing. Allele origin: germline. Not counted in ClinVar's aggregate classification.
Comment: The c.806-3C>T intronic variant results from a C to T substitution 3 nucleotides upstream from coding exon 7 in the RUNX1 gene. This nucleotide position is well conserved in available vertebrate species. In silico splice site analysis predicts that this alteration will not have any significant effect on splicing. Based on the available evidence, the clinical significance of this variant remains unclear.

Labcorp Genetics (formerly Invitae), Labcorp
Classification: Uncertain significance for Hereditary thrombocytopenia and hematological cancer predisposition syndrome associated with RUNX1. Last evaluated: 2025-03-26. Review status: criteria provided, single submitter. Criteria: Invitae Variant Classification Sherloc (09022015). Collection method: clinical testing. Allele origin: germline. Not counted in ClinVar's aggregate classification.
Comment: This sequence change falls in intron 7 of the RUNX1 gene. It does not directly change the encoded amino acid sequence of the RUNX1 protein. It affects a nucleotide within the consensus splice site. This variant is present in population databases (no rsID available, gnomAD 0.006%). This variant has not been reported in the literature in individuals affected with RUNX1-related conditions. ClinVar contains an entry for this variant (Variation ID: 837668). Variants that disrupt the consensus splice site are a relatively common cause of aberrant splicing (PMID: 17576681, 9536098). Studies have shown that this variant is associated with inconclusive levels of altered splicing (internal data). In summary, the available evidence is currently insufficient to determine the role of this variant in disease. Therefore, it has been classified as a Variant of Uncertain Significance.

Literature cited by the submitters: PubMed 17576681 (cited by Labcorp Genetics (formerly Invitae), Labcorp); PubMed 9536098 (cited by Labcorp Genetics (formerly Invitae), Labcorp).